The following is an entry in ClinVar:

Conditions:
Long QT syndrome 5 (LQT5). Identifiers: Orphanet 101016, Orphanet 768, MedGen C1867904, MONDO:0013372, OMIM 613695.

Submission:

Roden Lab, Vanderbilt University Medical Center
No classification provided (evidence only). Condition: Long QT syndrome 5. Review status: no classification provided. Collection method: in vitro. Allele origin: not applicable. Functional consequence: Effect on ion channel function.
ClinVar note: "not provided" was previously submitted as the classification for the variant. However, the classification appeared to be based only on an observation of functional data so it was converted to no classification on 2025-07-30.

NM_000219.6(KCNE1):c.147G>C (p.Met49Ile)

Gene: KCNE1 (potassium voltage-gated channel subfamily E regulatory subunit 1; minus strand). Cytogenetic location: 21q22.12.
Variant type: single nucleotide variant.
Coding change: c.147G>C on transcript NM_000219.6 (MANE Select); coding-DNA position 147, G replaced by C.
Protein change: p.Met49Ile; replaces methionine 49 with isoleucine.
Molecular consequence: missense variant.
Genome position (GRCh38, 1-based): chr21:34,449,488, C>G on the plus strand (G>C on the coding strand, the complement: KCNE1 is on the minus strand). VCF-style: chr21-34449488-C-G. GRCh37 (hg19) VCF-style: chr21-35821786-C-G.
Other names: c.147G>C, p.Met49Ile (NM_001127668.4, NM_001127669.4, NM_001127670.4 and 4 more transcripts); short protein forms M49I.
Identifiers: ClinVar variation 3374168 (VCV003374168.2).